The following is an entry in ClinVar:

NM_000179.3(MSH6):c.2056G>T (p.Gly686Cys)

Gene: MSH6 (mutS homolog 6; plus strand). Cytogenetic location: 2p16.3.
Variant type: single nucleotide variant.
Coding change: c.2056G>T on transcript NM_000179.3 (MANE Select); coding-DNA position 2056, G replaced by T.
Protein change: p.Gly686Cys; replaces glycine 686 with cysteine.
Molecular consequence: missense variant.
Genome position (GRCh38, 1-based): chr2:47,800,039, G>T. VCF-style: chr2-47800039-G-T. GRCh37 (hg19) VCF-style: chr2-48027178-G-T.
Other names: c.1666G>T, p.Gly556Cys (NM_001281492.2); c.1150G>T, p.Gly384Cys (NM_001281493.2, NM_001281494.2); short protein forms G686C, G384C, G556C.
Identifiers: ClinVar variation 410509 (VCV000410509.27), dbSNP rs1060502934, ClinGen allele CA16610900.
Genomic context (GRCh38, chr2:47,800,039, plus strand): 5'-TCTGATTCCATTGGGTTGACACCAGGAGAGAAAAGTGAATTGGCCCTCTCTGCTCTAGGT[G>T]GTTGTGTCTTCTACCTCAAAAAATGCCTTATTGATCAGGAGCTTTTATCAATGGCTAATT-3'
Protein context (NP_000170.1, residues 676-696): KSELALSALG[Gly686Cys]CVFYLKKCLI

ClinVar aggregate classification (germline): Uncertain significance. Review status: criteria provided, multiple submitters, no conflicts (2 of 4 stars). 7 submissions from 7 submitters: Uncertain significance (7). Last evaluated 2025-07-14.

Conditions:
Lynch syndrome. Identifiers: Orphanet 144, MedGen C4552100, MONDO:0005835. Disease mechanism: loss of function.
Hereditary cancer-predisposing syndrome. Also called: Tumor predisposition; Hereditary Cancer Syndrome; Hereditary neoplastic syndrome; Neoplastic Syndromes, Hereditary. Identifiers: Orphanet 140162, MedGen C0027672, MeSH D009386, MONDO:0015356.
Hereditary nonpolyposis colorectal neoplasms. Identifiers: MedGen C0009405, MeSH D003123.

Allele frequency attached by ClinVar (database versions not stated): gnomAD exomes below 0.00001; gnomAD 0.00001; TOPMed 0.00002.
gnomAD v4.1: 2 of 1,613,968 alleles (0.00012%); highest among the groups gnomAD compares: East Asian, 0.0022%; no homozygotes.

Submissions (7):

Labcorp Genetics (formerly Invitae), Labcorp
Classification: Uncertain significance for Hereditary nonpolyposis colorectal neoplasms. Last evaluated: 2025-07-14. Review status: criteria provided, single submitter. Criteria: Invitae Variant Classification Sherloc (09022015). Collection method: clinical testing. Allele origin: germline.
Comment: This sequence change replaces glycine, which is neutral and non-polar, with cysteine, which is neutral and slightly polar, at codon 686 of the MSH6 protein (p.Gly686Cys). This variant is not present in population databases (gnomAD no frequency). This variant has not been reported in the literature in individuals affected with MSH6-related conditions. ClinVar contains an entry for this variant (Variation ID: 410509). Invitae Evidence Modeling incorporating data from in vitro experimental studies (internal data) indicates that this missense variant is not expected to disrupt MSH6 function with a negative predictive value of 95%. This variant disrupts the p.Gly686 amino acid residue in MSH6. Other variant(s) that disrupt this residue have been determined to be pathogenic (PMID: 18809606, 22949379, 25559809, 26552419, 26681312, 27273229, 28514183, 28531214, 28944238, 31965077; internal data). This suggests that this residue is clinically significant, and that variants that disrupt this residue are likely to be disease-causing. In summary, the available evidence is currently insufficient to determine the role of this variant in disease. Therefore, it has been classified as a Variant of Uncertain Significance.

Color Diagnostics, LLC DBA Color Health
Classification: Uncertain significance for Hereditary cancer-predisposing syndrome. Last evaluated: 2025-05-13. Review status: criteria provided, single submitter. Criteria: ACMG Guidelines, 2015. Collection method: clinical testing. Allele origin: germline.
Comment: This missense variant replaces glycine with cysteine at codon 686 of the MSH6 protein. Computational prediction suggests that this variant may have deleterious impact on protein structure and function. To our knowledge, functional studies have not been reported for this variant. This variant has not been reported in individuals affected with MSH6-related disorders in the literature. Another variant that impacts this protein residue (MSH6 p.Gly686Asp) has been determined to be disease causing, indicating that this residue is important for MSH6 function (ClinVar Variation ID: 173071). This variant has not been identified in the general population by the Genome Aggregation Database (gnomAD). The available evidence is insufficient to determine the role of this variant in disease conclusively. Therefore, this variant is classified as a Variant of Uncertain Significance.

Ambry Genetics
Classification: Uncertain significance for Hereditary cancer-predisposing syndrome. Last evaluated: 2024-12-27. Review status: criteria provided, single submitter. Criteria: Ambry Variant Classification Scheme 2023. Collection method: clinical testing. Allele origin: germline.
Comment: The p.G686C variant (also known as c.2056G>T), located in coding exon 4 of the MSH6 gene, results from a G to T substitution at nucleotide position 2056. The glycine at codon 686 is replaced by cysteine, an amino acid with highly dissimilar properties. This amino acid position is well conserved in available vertebrate species. In addition, the in silico prediction for this alteration is inconclusive. Since supporting evidence is limited at this time, the clinical significance of this alteration remains unclear.

Quest Diagnostics Nichols Institute San Juan Capistrano
Classification: Uncertain significance. Last evaluated: 2024-12-21. Review status: criteria provided, single submitter. Criteria: Quest Diagnostics criteria. Collection method: clinical testing. Allele origin: unknown.
Comment: The MSH6 c.2056G>T (p.Gly686Cys) variant has not been reported in individuals with MSH6-related conditions in the published literature. The frequency of this variant in the general population (Genome Aggregation Database) is uninformative in the assessment of its pathogenicity. Analysis of this variant using bioinformatics tools for the prediction of the effect of amino acid changes on protein structure and function yielded predictions that this variant is benign. Based on the available information, we are unable to determine the clinical significance of this variant.

All of Us Research Program, National Institutes of Health
Classification: Uncertain significance for Lynch syndrome. Last evaluated: 2023-04-03. Review status: criteria provided, single submitter. Criteria: ACMG Guidelines, 2015. Collection method: clinical testing. Allele origin: germline. Inheritance: Autosomal dominant inheritance. Observed: 1 variant allele, 1 heterozygote.
Comment: This missense variant replaces glycine with cysteine at codon 686 of the MSH6 protein. Computational prediction suggests that this variant may have deleterious impact on protein structure and function (internally defined REVEL score threshold >= 0.7, PMID: 27666373). To our knowledge, functional studies have not been reported for this variant. This variant has not been reported in individuals affected with MSH6-related disorders in the literature. Another variant that impacts this protein residue (MSH6 p.Gly686Asp) has been determined to be disease causing, indicating that this residue is important for MSH6 function (ClinVar Variation ID: 173071). This variant has not been identified in the general population by the Genome Aggregation Database (gnomAD). The available evidence is insufficient to determine the role of this variant in disease conclusively. Therefore, this variant is classified as a Variant of Uncertain Significance.

This study involves interpretation of variants in research participants for the purpose of population health screening. Participant phenotype was not available at the time of variant classification. Additional details can be found in publication PMID: 35346344, PMCID: PMC8962531

Women's Health and Genetics/Laboratory Corporation of America, LabCorp
Classification: Uncertain significance. Last evaluated: 2021-11-06. Review status: criteria provided, single submitter. Criteria: LabCorp Variant Classification Summary - May 2015. Collection method: clinical testing. Allele origin: germline.

GeneDx
Classification: Uncertain significance. Last evaluated: 2019-11-29. Review status: criteria provided, single submitter. Criteria: GeneDx Variant Classification Process June 2021. Collection method: clinical testing. Allele origin: germline. Affected: yes.
Comment: Not observed in large population cohorts (Lek 2016); In silico analysis, which includes protein predictors and evolutionary conservation, supports a deleterious effect; Has not been previously published as pathogenic or benign to our knowledge; Located in a critical functional domain: connector domain (Warren 2007, Kansikas 2011)

Literature cited by the submitters: PubMed 18809606 (cited by Labcorp Genetics (formerly Invitae), Labcorp); PubMed 22949379 (cited by Labcorp Genetics (formerly Invitae), Labcorp); PubMed 25559809 (cited by Labcorp Genetics (formerly Invitae), Labcorp); PubMed 26552419 (cited by Labcorp Genetics (formerly Invitae), Labcorp); PubMed 26681312 (cited by Labcorp Genetics (formerly Invitae), Labcorp); PubMed 27273229 (cited by Labcorp Genetics (formerly Invitae), Labcorp); PubMed 28514183 (cited by Labcorp Genetics (formerly Invitae), Labcorp); PubMed 28531214 (cited by Labcorp Genetics (formerly Invitae), Labcorp); PubMed 28944238 (cited by Labcorp Genetics (formerly Invitae), Labcorp); PubMed 31965077 (cited by Labcorp Genetics (formerly Invitae), Labcorp).